The following is an entry in ClinVar:

ClinVar aggregate classification (germline): Uncertain significance (1 of 4 stars; one submission).

Conditions:
Bardet-Biedl syndrome (BBS). Identifiers: Orphanet 110, MedGen C0752166, MONDO:0015229.

Submission:

Labcorp Genetics (formerly Invitae), Labcorp
Classification: Uncertain significance for Bardet-Biedl syndrome. Last evaluated: 2024-02-23. Review status: criteria provided, single submitter. Criteria: Invitae Variant Classification Sherloc (09022015). Collection method: clinical testing. Allele origin: germline.
Comment: This sequence change replaces tyrosine, which is neutral and polar, with cysteine, which is neutral and slightly polar, at codon 645 of the TRIM32 protein (p.Tyr645Cys). This variant is not present in population databases (gnomAD no frequency). This variant has not been reported in the literature in individuals affected with TRIM32-related conditions. ClinVar contains an entry for this variant (Variation ID: 846181). An algorithm developed to predict the effect of missense changes on protein structure and function (PolyPhen-2) suggests that this variant is likely to be disruptive. In summary, the available evidence is currently insufficient to determine the role of this variant in disease. Therefore, it has been classified as a Variant of Uncertain Significance.

NM_012210.4(TRIM32):c.1934A>G (p.Tyr645Cys)

Genes: ASTN2 (astrotactin 2; minus strand), TRIM32 (tripartite motif containing 32; plus strand). Cytogenetic location: 9q33.1.
Variant type: single nucleotide variant.
Coding change: c.1934A>G on transcript NM_012210.4 (MANE Select); coding-DNA position 1934, A replaced by G.
Protein change: p.Tyr645Cys; replaces tyrosine 645 with cysteine.
Molecular consequence: missense variant. On other transcripts: intron variant (3).
Genome position (GRCh38, 1-based): chr9:116,699,676, A>G. VCF-style: chr9-116699676-A-G. GRCh37 (hg19) VCF-style: chr9-119461955-A-G.
Other names: c.1934A>G, p.Tyr645Cys (NM_001379049.1, NM_001379050.1, NM_001099679.2 and 1 more transcripts); c.2653+26095T>C (NM_014010.5); c.2794+26095T>C (NM_001365069.1); c.2806+26095T>C (NM_001365068.1); short protein forms Y645C.
Identifiers: ClinVar variation 846181 (VCV000846181.9), dbSNP rs1861076438, ClinGen allele CA374652758.